The following is an entry in ClinVar:

NM_006904.7(PRKDC):c.1151T>C (p.Met384Thr)

Gene: PRKDC (protein kinase, DNA-activated, catalytic subunit; minus strand). Cytogenetic location: 8q11.21.
Variant type: single nucleotide variant.
Coding change: c.1151T>C on transcript NM_006904.7 (MANE Select); coding-DNA position 1151, T replaced by C.
Protein change: p.Met384Thr; replaces methionine 384 with threonine.
Molecular consequence: missense variant.
Genome position (GRCh38, 1-based): chr8:47,936,480, A>G on the plus strand (T>C on the coding strand, the complement: PRKDC is on the minus strand). VCF-style: chr8-47936480-A-G. GRCh37 (hg19) VCF-style: chr8-48849040-A-G.
Other names: c.1151T>C, p.Met384Thr (NM_001081640.2); short protein forms M384T.
Identifiers: ClinVar variation 1357979 (VCV001357979.3), dbSNP rs375391499, ClinGen allele CA4741799.

ClinVar aggregate classification (germline): Uncertain significance (1 of 4 stars; one submission).

Conditions:
Severe combined immunodeficiency due to DNA-PKcs deficiency. Also called: IMMUNODEFICIENCY 26 WITH NEUROLOGIC ABNORMALITIES; Immunodeficiency 26 with or without neurologic abnormalities. Identifiers: Orphanet 317425, MedGen C4014833, MONDO:0014423, OMIM 615966.

Allele frequency attached by ClinVar (database versions not stated): ExAC 0.00002; gnomAD exomes 0.00002 and 0.00003; ESP Exome Variant Server 0.00008.
gnomAD v4.1: 40 of 1,614,048 alleles (0.0025%); highest among the groups gnomAD compares: Non-Finnish European, 0.0032%; no homozygotes.

Submission:

Labcorp Genetics (formerly Invitae), Labcorp
Classification: Uncertain significance for Severe combined immunodeficiency due to DNA-PKcs deficiency. Last evaluated: 2022-08-06. Review status: criteria provided, single submitter. Criteria: Invitae Variant Classification Sherloc (09022015). Collection method: clinical testing. Allele origin: germline.
Comment: This sequence change replaces methionine, which is neutral and non-polar, with threonine, which is neutral and polar, at codon 384 of the PRKDC protein (p.Met384Thr). This variant is present in population databases (rs375391499, gnomAD 0.004%). This variant has not been reported in the literature in individuals affected with PRKDC-related conditions. ClinVar contains an entry for this variant (Variation ID: 1357979). Experimental studies and prediction algorithms are not available or were not evaluated, and the functional significance of this variant is currently unknown. In summary, the available evidence is currently insufficient to determine the role of this variant in disease. Therefore, it has been classified as a Variant of Uncertain Significance.